The following is an entry in ClinVar:

NM_000094.4(COL7A1):c.1202G>A (p.Arg401His)

Gene: COL7A1 (collagen type VII alpha 1 chain; minus strand). Cytogenetic location: 3p21.31.
Variant type: single nucleotide variant.
Coding change: c.1202G>A on transcript NM_000094.4 (MANE Select); coding-DNA position 1202, G replaced by A.
Protein change: p.Arg401His; replaces arginine 401 with histidine.
Molecular consequence: missense variant.
Genome position (GRCh38, 1-based): chr3:48,592,140, C>T on the plus strand (G>A on the coding strand, the complement: COL7A1 is on the minus strand). VCF-style: chr3-48592140-C-T. GRCh37 (hg19) VCF-style: chr3-48629573-C-T.
Other names: short protein forms R401H.
Identifiers: ClinVar variation 4736650 (VCV004736650.1).

ClinVar aggregate classification (germline): Uncertain significance (1 of 4 stars; one submission).

gnomAD v4.1: 7 of 1,614,070 alleles (0.00043%); highest among the groups gnomAD compares: Admixed American, 0.0067%; no homozygotes.

Submission:

Labcorp Genetics (formerly Invitae), Labcorp
Classification: Uncertain significance. Last evaluated: 2025-02-24. Review status: criteria provided, single submitter. Criteria: Invitae Variant Classification Sherloc (09022015). Collection method: clinical testing. Allele origin: germline.
Comment: This sequence change replaces arginine, which is basic and polar, with histidine, which is basic and polar, at codon 401 of the COL7A1 protein (p.Arg401His). This variant is present in population databases (rs757929353, gnomAD 0.003%). This variant has not been reported in the literature in individuals affected with COL7A1-related conditions. Invitae Evidence Modeling of protein sequence and biophysical properties (such as structural, functional, and spatial information, amino acid conservation, physicochemical variation, residue mobility, and thermodynamic stability) indicates that this missense variant is not expected to disrupt COL7A1 protein function with a negative predictive value of 95%. In summary, the available evidence is currently insufficient to determine the role of this variant in disease. Therefore, it has been classified as a Variant of Uncertain Significance.